The following is an entry in ClinVar:

NM_014249.4(NR2E3):c.641C>T (p.Pro214Leu)

Gene: NR2E3 (nuclear receptor subfamily 2 group E member 3; plus strand). Cytogenetic location: 15q23.
Variant type: single nucleotide variant.
Coding change: c.641C>T on transcript NM_014249.4 (MANE Select); coding-DNA position 641, C replaced by T.
Protein change: p.Pro214Leu; replaces proline 214 with leucine.
Molecular consequence: missense variant.
Genome position (GRCh38, 1-based): chr15:71,812,405, C>T. VCF-style: chr15-71812405-C-T. GRCh37 (hg19) VCF-style: chr15-72104745-C-T.
Other names: c.641C>T, p.Pro214Leu (NM_016346.4); short protein forms P214L.
Identifiers: ClinVar variation 938262 (VCV000938262.6), dbSNP rs749050219, ClinGen allele CA7640360.
Genomic context (GRCh38, chr15:71,812,405, plus strand): 5'-ATATTGATGTCACCAGCAATGACCCTGAGTTCCCCTCCTCTCCATACTCCTCTTCCTCCC[C>T]CTGCGGCCTGGACAGCATCCATGAGACCTCGGCTCGCCTACTCTTCATGGCCGTCAAGTG-3'
Protein context (NP_055064.1, residues 204-224): FPSSPYSSSS[Pro214Leu]CGLDSIHETS

ClinVar aggregate classification (germline): Uncertain significance. Review status: criteria provided, multiple submitters, no conflicts (2 of 4 stars). 3 submissions from 3 submitters: Uncertain significance (2). 1 of the submissions does not count toward it. Last evaluated 2024-08-30.

Conditions:
Enhanced S-cone syndrome (ESCS). Identifiers: Orphanet 53540, MedGen C1849394, MONDO:0100288, MONDO:0009989.

gnomAD v4.1: 2 of 1,613,968 alleles (0.00012%); highest among the groups gnomAD compares: Admixed American, 0.0017%; no homozygotes.

Submissions (3):

Blueprint Genetics
Classification: Uncertain significance. Last evaluated: 2024-08-30. Review status: criteria provided, single submitter. Criteria: ACMG Guidelines, 2015. Collection method: clinical testing. Allele origin: germline.

Labcorp Genetics (formerly Invitae), Labcorp
Classification: Uncertain significance. Last evaluated: 2022-10-17. Review status: criteria provided, single submitter. Criteria: Invitae Variant Classification Sherloc (09022015). Collection method: clinical testing. Allele origin: germline.
Comment: This sequence change replaces proline, which is neutral and non-polar, with leucine, which is neutral and non-polar, at codon 214 of the NR2E3 protein (p.Pro214Leu). This variant is present in population databases (rs749050219, gnomAD 0.006%). This variant has not been reported in the literature in individuals affected with NR2E3-related conditions. ClinVar contains an entry for this variant (Variation ID: 938262). Advanced modeling of protein sequence and biophysical properties (such as structural, functional, and spatial information, amino acid conservation, physicochemical variation, residue mobility, and thermodynamic stability) performed at Invitae indicates that this missense variant is not expected to disrupt NR2E3 protein function. In summary, the available evidence is currently insufficient to determine the role of this variant in disease. Therefore, it has been classified as a Variant of Uncertain Significance.

Natera, Inc.
Classification: Uncertain significance for Enhanced S cone syndrome. Last evaluated: 2021-04-18. Review status: no assertion criteria provided. Collection method: clinical testing. Allele origin: germline. Not counted in ClinVar's aggregate classification.